The following is an entry in ClinVar:

NM_005189.3(CBX2):c.1327C>T (p.Arg443Cys)

Gene: CBX2 (chromobox 2; plus strand). Cytogenetic location: 17q25.3.
Variant type: single nucleotide variant.
Coding change: c.1327C>T on transcript NM_005189.3 (MANE Select); coding-DNA position 1327, C replaced by T.
Protein change: p.Arg443Cys; replaces arginine 443 with cysteine.
Molecular consequence: missense variant.
Genome position (GRCh38, 1-based): chr17:79,784,770, C>T. VCF-style: chr17-79784770-C-T. GRCh37 (hg19) VCF-style: chr17-77758569-C-T.
Other names: short protein forms R443C.
Identifiers: ClinVar variation 3013676 (VCV003013676.3), dbSNP rs201172710, ClinGen allele CA8811481.
Genomic context (GRCh38, chr17:79,784,770, plus strand): 5'-ACCCCTGCCAGCAAGAGGGACTGTGTCAAGGGCAGTGCTACCCCCAGTGGGCAGGAGAGC[C>T]GCACAGCCCCCGGAGAAGCCCGCAAGGCGGCCACACTGCCAGAGATGAGCGCAGGTGAGG-3'
Protein context (NP_005180.1, residues 433-453): GSATPSGQES[Arg443Cys]TAPGEARKAA

ClinVar aggregate classification (germline): Uncertain significance (1 of 4 stars; one submission).

Allele frequency attached by ClinVar (database versions not stated): ExAC 0.00001; gnomAD exomes 0.00002; gnomAD 0.00005; TOPMed 0.00005.

Submission:

Labcorp Genetics (formerly Invitae), Labcorp
Classification: Uncertain significance. Last evaluated: 2023-06-21. Review status: criteria provided, single submitter. Criteria: Invitae Variant Classification Sherloc (09022015). Collection method: clinical testing. Allele origin: germline.
Comment: Advanced modeling of protein sequence and biophysical properties (such as structural, functional, and spatial information, amino acid conservation, physicochemical variation, residue mobility, and thermodynamic stability) performed at Invitae indicates that this missense variant is not expected to disrupt CBX2 protein function. In summary, the available evidence is currently insufficient to determine the role of this variant in disease. Therefore, it has been classified as a Variant of Uncertain Significance. This sequence change replaces arginine, which is basic and polar, with cysteine, which is neutral and slightly polar, at codon 443 of the CBX2 protein (p.Arg443Cys). This variant is present in population databases (rs201172710, gnomAD 0.02%). This variant has not been reported in the literature in individuals affected with CBX2-related conditions.